The following is an entry in ClinVar:

ClinVar aggregate classification (germline): Likely benign. Review status: reviewed by expert panel (3 of 4 stars). 17 submissions from 16 submitters: Likely benign (1). 16 of the submissions do not count toward it. Last evaluated 2017-06-29.

Conditions:
Breast and/or ovarian cancer. Identifiers: MedGen CN221562.
Hereditary cancer-predisposing syndrome. Also called: Hereditary neoplastic syndrome; Tumor predisposition; Neoplastic Syndromes, Hereditary; Hereditary Cancer Syndrome. Identifiers: Orphanet 140162, MedGen C0027672, MeSH D009386, MONDO:0015356.
Hereditary breast ovarian cancer syndrome. Also called: Breast and ovarian cancer; Hereditary breast and/or ovarian cancer syndrome; BRCA1- and BRCA2-Associated Hereditary Breast and Ovarian Cancer; Hereditary breast and ovarian cancer; Hereditary breast and ovarian cancer syndrome; Hereditary breast and ovarian cancer syndrome (HBOC). Identifiers: Orphanet 145, MedGen C0677776, MeSH D061325, MONDO:0003582. Disease mechanism: loss of function.
Breast-ovarian cancer, familial, susceptibility to, 2 (BROVCA2). Also called: BRCA2 Hereditary Breast and Ovarian Cancer. Identifiers: Orphanet 145, MedGen C2675520, MONDO:0012933, OMIM 612555. Disease mechanism: loss of function.
Familial cancer of breast. Also called: hereditary breast carcinoma; Hereditary breast cancer; BREAST CANCER, FAMILIAL. Identifiers: Orphanet 227535, MedGen C0346153, MONDO:0016419, OMIM 114480. Disease mechanism: loss of function.
Malignant tumor of breast. Also called: Malignant breast neoplasm; Cancer breast. Identifiers: MedGen C0006142, MONDO:0007254. Disease mechanism: loss of function.

Allele frequency attached by ClinVar (database versions not stated): TOPMed below 0.00001; gnomAD 0.00001; gnomAD exomes 0.00001; ExAC 0.00002; 1000 Genomes Project 30x 0.00016; 1000 Genomes Project 0.00020.
gnomAD v4.1: 25 of 1,614,148 alleles (0.0015%); highest among the groups gnomAD compares: Middle Eastern, 0.033%; no homozygotes.

Submissions (17):

Evidence-based Network for the Interpretation of Germline Mutant Alleles (ENIGMA)
Classification: Likely benign for Breast-ovarian cancer, familial, susceptibility to, 2. Last evaluated: 2017-06-29. Review status: reviewed by expert panel. Criteria: ENIGMA BRCA1/2 Classification Criteria (2017-06-29). Collection method: curation. Allele origin: germline.
Comment: Synonymous substitution variant, with low bioinformatic likelihood to result in a splicing aberration (Splicing prior probability 0.02).

CeGaT Center for Human Genetics Tuebingen
Classification: Likely benign. Last evaluated: 2026-09-01. Review status: criteria provided, single submitter. Criteria: CeGaT Center For Human Genetics Tuebingen Variant Classification Criteria Version 2. Collection method: clinical testing. Allele origin: germline. Affected: yes. Observed: 4 variant alleles. Not counted in ClinVar's aggregate classification.
Comment: BRCA2: BP4, BP7

Labcorp Genetics (formerly Invitae), Labcorp
Classification: Benign for Hereditary breast ovarian cancer syndrome. Last evaluated: 2026-01-31. Review status: criteria provided, single submitter. Criteria: Invitae Variant Classification Sherloc (09022015). Collection method: clinical testing. Allele origin: germline. Not counted in ClinVar's aggregate classification.

Quest Diagnostics Nichols Institute San Juan Capistrano
Classification: Likely benign. Last evaluated: 2025-10-30. Review status: criteria provided, single submitter. Criteria: Quest Diagnostics criteria. Collection method: clinical testing. Allele origin: unknown. Not counted in ClinVar's aggregate classification.

Center for Genomic Medicine, Rigshospitalet, Copenhagen University Hospital
Classification: Likely benign. Last evaluated: 2025-03-04. Review status: criteria provided, single submitter. Criteria: ACMG Guidelines, 2015. Collection method: clinical testing. Allele origin: germline. Not counted in ClinVar's aggregate classification.

KCCC/NGS Laboratory, Kuwait Cancer Control Center
Classification: Benign for Familial cancer of breast. Last evaluated: 2025-02-01. Review status: criteria provided, single submitter. Criteria: ACMG Guidelines, 2015. Collection method: clinical testing. Allele origin: germline. Affected: no. Not counted in ClinVar's aggregate classification.

Blueprint Genetics
Classification: Likely benign. Last evaluated: 2024-11-05. Review status: criteria provided, single submitter. Criteria: ACMG Guidelines, 2015. Collection method: clinical testing. Allele origin: germline. Not counted in ClinVar's aggregate classification.

All of Us Research Program, National Institutes of Health
Classification: Likely benign for Breast-ovarian cancer, familial, susceptibility to, 2. Last evaluated: 2023-08-15. Review status: criteria provided, single submitter. Criteria: ACMG Guidelines, 2015. Collection method: clinical testing. Allele origin: germline. Inheritance: Autosomal dominant inheritance. Observed: 2 variant alleles, 2 heterozygotes. Not counted in ClinVar's aggregate classification.
Comment: This study involves interpretation of variants in research participants for the purpose of population health screening. Participant phenotype was not available at the time of variant classification. Additional details can be found in publication PMID: 35346344, PMCID: PMC8962531

KCCC/NGS Laboratory, Kuwait Cancer Control Center
Classification: Likely benign for Breast-ovarian cancer, familial, susceptibility to, 2. Last evaluated: 2023-07-07. Review status: criteria provided, single submitter. Criteria: ACMG Guidelines, 2015. Collection method: clinical testing. Allele origin: germline. Affected: yes. Not counted in ClinVar's aggregate classification.

National Health Laboratory Service, Universitas Academic Hospital and University of the Free State
Classification: Likely benign for Hereditary breast ovarian cancer syndrome. Last evaluated: 2022-04-19. Review status: criteria provided, single submitter. Criteria: ACMG Guidelines, 2015. Collection method: clinical testing. Allele origin: germline. Affected: yes. Observed: 3 variant alleles. Not counted in ClinVar's aggregate classification.

Ambry Genetics
Classification: Likely benign for Hereditary cancer-predisposing syndrome. Last evaluated: 2022-04-09. Review status: criteria provided, single submitter. Criteria: Ambry Variant Classification Scheme 2023. Collection method: clinical testing. Allele origin: germline. Not counted in ClinVar's aggregate classification.

CHEO Genetics Diagnostic Laboratory, Children's Hospital of Eastern Ontario
Classification: Likely benign for Breast and/or ovarian cancer. Last evaluated: 2021-11-10. Review status: criteria provided, single submitter. Criteria: ACMG Guidelines, 2015. Collection method: clinical testing. Allele origin: germline. Not counted in ClinVar's aggregate classification.

GeneDx
Classification: Likely benign. Last evaluated: 2021-04-25. Review status: criteria provided, single submitter. Criteria: GeneDx Variant Classification Process June 2021. Collection method: clinical testing. Allele origin: germline. Affected: yes. Not counted in ClinVar's aggregate classification.
Comment: This variant is associated with the following publications: (PMID: 25556971, 30254663)

Women's Health and Genetics/Laboratory Corporation of America, LabCorp
Classification: Likely benign. Last evaluated: 2019-08-15. Review status: criteria provided, single submitter. Criteria: LabCorp Variant Classification Summary - May 2015. Collection method: clinical testing. Allele origin: germline. Not counted in ClinVar's aggregate classification.

Genetic Services Laboratory, University of Chicago
Classification: Likely benign. Last evaluated: 2017-06-02. Review status: criteria provided, single submitter. Criteria: ACMG Guidelines, 2015. Collection method: clinical testing. Allele origin: germline. Affected: no. Not counted in ClinVar's aggregate classification.

Color Diagnostics, LLC DBA Color Health
Classification: Likely benign for Hereditary cancer-predisposing syndrome. Last evaluated: 2016-03-28. Review status: criteria provided, single submitter. Criteria: ACMG Guidelines, 2015. Collection method: clinical testing. Allele origin: germline. Not counted in ClinVar's aggregate classification.

Department of Pathology and Laboratory Medicine, Sinai Health System
Classification: Uncertain significance for Malignant tumor of breast. Review status: no assertion criteria provided. Collection method: clinical testing. Allele origin: unknown. Affected: yes. Study: The Canadian Open Genetics Repository (COGR). Not counted in ClinVar's aggregate classification.
Comment: The BRCA2 p.Lys3132= variant was identified in 1 of 2090 proband chromosomes (frequency: 0.0005) from individuals or families with breast of ovarian cancer (Zuntini, 2018). The variant was also identified in dbSNP (ID: rs201172050) as "with other allele", ClinVar (classified as likely benign by ENIGMA expert panel, Ambry Genetics, GeneDx, Invitae and three other submitters; and as uncertain significance by this laboratory). The variant was not identified in the LOVD 3.0 or UMD-LSDB databases. The variant was identified in control databases in 3 of 246130 chromosomes at a frequency of 0.00001 (Genome Aggregation Database Feb 27, 2017). The variant was observed in the following populations: African in 1 of 15302 chromosomes (freq: 0.00007), European (Non-Finnish) in 1 of 111626 chromosomes (freq: 0.000009), and South Asian in 1 of 30782 chromosomes (freq: 0.00003), while it was not observed in the Other, Latino, Ashkenazi Jewish, East Asian, or European (Finnish) populations. The p.Lys3132= variant is not expected to have clinical significance because it does not result in a change of amino acid and is not located in a known consensus splice site. However, 1 of 4 in silico or computational prediction software programs (SpliceSiteFinder, MaxEntScan, NNSPLICE, GeneSplicer) predicts a greater than 10% difference in splicing; this is not very predictive of pathogenicity. In summary, based on the above information, the clinical significance of this variant cannot be determined with certainty at this time. This variant is classified as a variant of uncertain significance.

Literature cited by the submitters: DOI 10.3389/fgene.2022.834265 (cited by National Health Laboratory Service, Universitas Academic Hospital and University of the Free State).

NM_000059.4(BRCA2):c.9396A>G (p.Lys3132=)

Gene: BRCA2 (BRCA2 DNA repair associated; plus strand). Cytogenetic location: 13q13.1.
Variant type: single nucleotide variant.
Coding change: c.9396A>G on transcript NM_000059.4 (MANE Select); coding-DNA position 9396, A replaced by G.
Protein change: p.Lys3132=; no amino-acid change (lysine 3132 retained).
Molecular consequence: synonymous variant.
Genome position (GRCh38, 1-based): chr13:32,394,828, A>G. VCF-style: chr13-32394828-A-G. GRCh37 (hg19) VCF-style: chr13-32968965-A-G.
Other names: NP_000050.3:p.Lys3132=.
Identifiers: ClinVar variation 184747 (VCV000184747.89), dbSNP rs201172050, ClinGen allele CA026137.